The following is an entry in ClinVar:

ClinVar aggregate classification (germline): Uncertain significance (1 of 4 stars; one submission).

Conditions:
Mitochondrial DNA depletion syndrome, encephalomyopathic form with methylmalonic aciduria (MTDPS5). Also called: SUCLA2-Related Mitochondrial DNA Depletion Syndrome, Encephalomyopathic Form with Methylmalonic Aciduria; MITOCHONDRIAL DNA DEPLETION SYNDROME, ENCEPHALOMYOPATHIC FORM, WITH OR WITHOUT METHYLMALONIC ACIDURIA, AUTOSOMAL RECESSIVE, SUCLA2-RELATED; Mitochondrial DNA depletion syndrome 5 (encephalomyopathic with or without methylmalonic aciduria); Mitochondrial encephalomyopathy aminoacidopathy. Identifiers: Orphanet 1933, MedGen C5980207, MONDO:0012791, OMIM 612073.

Submission:

Labcorp Genetics (formerly Invitae), Labcorp
Classification: Uncertain significance for Mitochondrial DNA depletion syndrome, encephalomyopathic form with methylmalonic aciduria. Last evaluated: 2025-05-05. Review status: criteria provided, single submitter. Criteria: Invitae Variant Classification Sherloc (09022015). Collection method: clinical testing. Allele origin: germline.
Comment: This sequence change replaces glutamic acid, which is acidic and polar, with aspartic acid, which is acidic and polar, at codon 445 of the SUCLA2 protein (p.Glu445Asp). This variant is not present in population databases (gnomAD no frequency). This variant has not been reported in the literature in individuals affected with SUCLA2-related conditions. An algorithm developed to predict the effect of missense changes on protein structure and function (PolyPhen-2) suggests that this variant is likely to be tolerated. In summary, the available evidence is currently insufficient to determine the role of this variant in disease. Therefore, it has been classified as a Variant of Uncertain Significance.

NM_003850.3(SUCLA2):c.1335A>T (p.Glu445Asp)

Gene: SUCLA2 (succinate-CoA ligase ADP-forming subunit beta; minus strand). Cytogenetic location: 13q14.2.
Variant type: single nucleotide variant.
Coding change: c.1335A>T on transcript NM_003850.3 (MANE Select); coding-DNA position 1335, A replaced by T.
Protein change: p.Glu445Asp; replaces glutamic acid 445 with aspartic acid.
Molecular consequence: missense variant.
Genome position (GRCh38, 1-based): chr13:47,943,428, T>A on the plus strand (A>T on the coding strand, the complement: SUCLA2 is on the minus strand). VCF-style: chr13-47943428-T-A. GRCh37 (hg19) VCF-style: chr13-48517563-T-A.
Other names: short protein forms E445D.
Identifiers: ClinVar variation 4712959 (VCV004712959.1).
Genomic context (GRCh38, chr13:47,943,428, plus strand): 5'-AGATCATATTGGCAACTGAAATTTCACATCCACATGTGCTTGCTTCGCTAAGGTCACTAT[T>A]TCAGAGAGCTTTACAACCTAAAAGAAAAGAACGAAGAATTTTCACAAAAAGGTAAATTCA-3'
Protein context (NP_003841.1, residues 435-455): EAARMVVKLS[Glu445Asp]IVTLAKQAHV